The following is an entry in ClinVar:

ClinVar aggregate classification (germline): Uncertain significance (1 of 4 stars; one submission).

Conditions:
Familial thoracic aortic aneurysm and aortic dissection (TAAD). Also called: Thoracic aortic aneurysms and dissections. Identifiers: Orphanet 91387, MedGen C4707243, MONDO:0019625.

gnomAD v4.1: 2 of 1,613,932 alleles (0.00012%); highest among the groups gnomAD compares: East Asian, 0.0045%; no homozygotes.

Submission:

Ambry Genetics
Classification: Uncertain significance for Familial thoracic aortic aneurysm and aortic dissection. Last evaluated: 2024-04-12. Review status: criteria provided, single submitter. Criteria: Ambry Variant Classification Scheme 2023. Collection method: clinical testing. Allele origin: germline.
Comment: The p.C12Y variant (also known as c.35G>A), located in coding exon 1 of the ACTA2 gene, results from a G to A substitution at nucleotide position 35. The cysteine at codon 12 is replaced by tyrosine, an amino acid with highly dissimilar properties. This amino acid position is conserved. In addition, this alteration is predicted to be deleterious by in silico analysis. Based on the available evidence, the clinical significance of this variant remains unclear.

NM_001613.4(ACTA2):c.35G>A (p.Cys12Tyr)

Gene: ACTA2 (actin alpha 2, smooth muscle; minus strand). Cytogenetic location: 10q23.31.
Variant type: single nucleotide variant.
Coding change: c.35G>A on transcript NM_001613.4 (MANE Select); coding-DNA position 35, G replaced by A.
Protein change: p.Cys12Tyr; replaces cysteine 12 with tyrosine.
Molecular consequence: missense variant.
Genome position (GRCh38, 1-based): chr10:88,948,896, C>T on the plus strand (G>A on the coding strand, the complement: ACTA2 is on the minus strand). VCF-style: chr10-88948896-C-T. GRCh37 (hg19) VCF-style: chr10-90708653-C-T.
Other names: c.35G>A, p.Cys12Tyr (NM_001141945.3, NM_001320855.2, NM_001406462.1 and 7 more transcripts); short protein forms C12Y.
Identifiers: ClinVar variation 3263596 (VCV003263596.1).